The following is an entry in ClinVar:

ClinVar aggregate classification (germline): Uncertain significance (1 of 4 stars; one submission).

Conditions:
Charcot-Marie-Tooth disease axonal type 2Z. Also called: CHARCOT-MARIE-TOOTH DISEASE, AXONAL, AUTOSOMAL DOMINANT, TYPE 2Z; CHARCOT-MARIE-TOOTH NEUROPATHY, TYPE 2Z. Identifiers: Orphanet 466768, MedGen C5569025, MONDO:0014736, OMIM 616688.

Submission:

Labcorp Genetics (formerly Invitae), Labcorp
Classification: Uncertain significance for Charcot-Marie-Tooth disease axonal type 2Z. Last evaluated: 2021-02-15. Review status: criteria provided, single submitter. Criteria: Invitae Variant Classification Sherloc (09022015). Collection method: clinical testing. Allele origin: germline.
Comment: In summary, the available evidence is currently insufficient to determine the role of this variant in disease. Therefore, it has been classified as a Variant of Uncertain Significance. This variant has not been reported in the literature in individuals with MORC2-related conditions. This variant is not present in population databases (ExAC no frequency). This sequence change creates a premature translational stop signal (p.Trp523*) in the MORC2 gene. It is expected to result in an absent or disrupted protein product. However, the current clinical and genetic evidence is not sufficient to establish whether loss-of-function variants in MORC2 cause disease.

NM_001303256.3(MORC2):c.1569G>A (p.Trp523Ter)

Gene: MORC2 (MORC family CW-type zinc finger 2; minus strand). Cytogenetic location: 22q12.2.
Variant type: single nucleotide variant.
Coding change: c.1569G>A on transcript NM_001303256.3 (MANE Select); coding-DNA position 1569, G replaced by A.
Protein change: p.Trp523Ter; replaces tryptophan 523 with a stop codon.
Molecular consequence: nonsense.
Genome position (GRCh38, 1-based): chr22:30,936,967, C>T on the plus strand (G>A on the coding strand, the complement: MORC2 is on the minus strand). VCF-style: chr22-30936967-C-T. GRCh37 (hg19) VCF-style: chr22-31332954-C-T.
Other names: c.1569G>A, p.Trp523Ter (NM_001303257.2); c.1383G>A, p.Trp461Ter (NM_014941.3); short protein forms W461*, W523*.
Identifiers: ClinVar variation 1524239 (VCV001524239.6), dbSNP rs2147253941, ClinGen allele CA411237471.